The following is an entry in ClinVar:

ClinVar aggregate classification (germline): Uncertain significance (1 of 4 stars; one submission).

Conditions:
Inborn genetic diseases. Identifiers: MedGen C0950123, MeSH D030342.

Allele frequency attached by ClinVar (database versions not stated): gnomAD exomes below 0.00001.
gnomAD v4.1: 1 of 1,614,236 alleles (0.000062%); highest among the groups gnomAD compares: Non-Finnish European, 0.000085%; no homozygotes.

Submission:

Ambry Genetics
Classification: Uncertain significance for Inborn genetic diseases. Last evaluated: 2017-02-03. Review status: criteria provided, single submitter. Criteria: Ambry Variant Classification Scheme 2023. Collection method: clinical testing. Allele origin: germline.
Comment: The p.F234I variant (also known as c.700T>A), located in coding exon 2 of the CLN8 gene, results from a T to A substitution at nucleotide position 700. The phenylalanine at codon 234 is replaced by isoleucine, an amino acid with highly similar properties. This amino acid position is well conserved in available vertebrate species. In addition, the in silico prediction for this alteration is inconclusive. Since supporting evidence is limited at this time, the clinical significance of this alteration remains unclear.

NM_018941.4(CLN8):c.700T>A (p.Phe234Ile)

Gene: CLN8 (CLN8 transmembrane ER and ERGIC protein; plus strand). Cytogenetic location: 8p23.3.
Variant type: single nucleotide variant.
Coding change: c.700T>A on transcript NM_018941.4 (MANE Select); coding-DNA position 700, T replaced by A.
Protein change: p.Phe234Ile; replaces phenylalanine 234 with isoleucine.
Molecular consequence: missense variant.
Genome position (GRCh38, 1-based): chr8:1,780,406, T>A. VCF-style: chr8-1780406-T-A. GRCh37 (hg19) VCF-style: chr8-1728572-T-A.
Other names: short protein forms F234I.
Identifiers: ClinVar variation 590039 (VCV000590039.5), dbSNP rs1563114301, ClinGen allele CA369954145.